The following is an entry in ClinVar:

ClinVar aggregate classification (germline): Likely benign (1 of 4 stars; one submission).

Submission:

Women's Health and Genetics/Laboratory Corporation of America, LabCorp
Classification: Likely benign. Last evaluated: 2026-04-29. Review status: criteria provided, single submitter. Criteria: LabCorp Variant Classification Summary - May 2015. Collection method: clinical testing. Allele origin: germline.
Comment: Variant summary: PIEZO2 c.2170-20_2170-18delTTT alters a non-conserved nucleotide located at a position not widely known to affect splicing. Consensus agreement among computation tools predict no significant impact on normal splicing. However, these predictions have yet to be confirmed by functional studies. The variant allele was found at a frequency of 0.00026 in 74024 control chromosomes. This frequency is not significantly higher than estimated for disease-causing variants in PIEZO2, allowing no conclusion about variant significance. To our knowledge, no occurrence of c.2170-20_2170-18delTTT in individuals affected with PIEZO2-related conditions and no experimental evidence demonstrating its impact on protein function have been reported. No submitters have cited clinical-significance assessments for this variant to ClinVar. Based on the evidence outlined above, the variant was classified as likely benign.

NM_001378183.1(PIEZO2):c.2170-20_2170-18del

Gene: PIEZO2 (piezo type mechanosensitive ion channel component 2; minus strand). Cytogenetic location: 18p11.22.
Variant type: Deletion.
Coding change: c.2170-20_2170-18del on transcript NM_001378183.1 (MANE Select); 20 bases into the intron before coding-DNA position 2170 through 18 bases into the intron before coding-DNA position 2170, 3 bases deleted (TTT; older notation c.2170-20_2170-18delTTT).
Molecular consequence: intron variant.
Genome position (GRCh38, 1-based): chr18:10,787,202-10,787,204, AAA deleted on the plus strand (TTT on the coding strand, the reverse complement: PIEZO2 is on the minus strand); deleting any 3 consecutive bases within chr18:10,787,202-10,787,212 gives the same sequence; the c. name uses the placement nearest the transcript's 3' end. VCF-style (leftmost placement, unchanged base first): chr18-10787201-GAAA-G. GRCh37 (hg19) VCF-style: chr18-10787199-GAAA-G.
Other names: c.2170-20_2170-18delTTT (NM_022068.4); c.2170-20_2170-18del (NM_022068.4, NM_001410871.1).
Identifiers: ClinVar variation 4848494 (VCV004848494.1).